The following is an entry in ClinVar:

NC_000005.10:g.(?_112828856)_(112828972_?)del

Gene: APC (APC regulator of Wnt signaling pathway; plus strand). Cytogenetic location: 5q22.2.
Variant type: Deletion.
Identifiers: ClinVar variation 417559 (VCV000417559.1).

ClinVar aggregate classification (germline): Uncertain significance (1 of 4 stars; one submission).

Conditions:
Familial adenomatous polyposis 1 (FAP1). Also called: FAMILIAL ADENOMATOUS POLYPOSIS 1, ATTENUATED; POLYPOSIS, ADENOMATOUS INTESTINAL. Identifiers: MedGen C2713442, MONDO:0021056, OMIM 175100. Disease mechanism: loss of function.

Submission:

Labcorp Genetics (formerly Invitae), Labcorp
Classification: Uncertain significance for Familial adenomatous polyposis 1. Last evaluated: 2016-05-28. Review status: criteria provided, single submitter. Criteria: Invitae Variant Classification Sherloc (09022015). Collection method: clinical testing. Allele origin: germline.
Comment: This variant is a gross deletion of the genomic region encompassing exon 14 of the APC gene. This leads to an in-frame deletion, preserving the integrity of the reading frame. This variant has not been reported in the literature in individuals with a APC-related disease. This variant removes a portion of the armadillo-repeat region of APC (PMID: 11257105), which is suggested to be involved in the regulation of the actin cytoskeleton and cell-cell adhesion (PMID: 14672538, 17881494). The impact of a deletion within this region on APC tumor suppressive function is unknown (PMID: 11257105). In summary, this is a novel in-frame deletion with uncertain impact on protein function. It has been classified as a Variant of Uncertain Significance.